The following is an entry in ClinVar:

NM_199420.4(POLQ):c.2453T>C (p.Val818Ala)

Gene: POLQ (DNA polymerase theta; minus strand). Cytogenetic location: 3q13.33.
Variant type: single nucleotide variant.
Coding change: c.2453T>C on transcript NM_199420.4 (MANE Select); coding-DNA position 2453, T replaced by C.
Protein change: p.Val818Ala; replaces valine 818 with alanine.
Molecular consequence: missense variant.
Genome position (GRCh38, 1-based): chr3:121,493,547, A>G on the plus strand (T>C on the coding strand, the complement: POLQ is on the minus strand). VCF-style: chr3-121493547-A-G. GRCh37 (hg19) VCF-style: chr3-121212394-A-G.
Other names: short protein forms V818A.
Identifiers: ClinVar variation 1791525 (VCV001791525.3), dbSNP rs1174134784, ClinGen allele CA354107570.

ClinVar aggregate classification (germline): Uncertain significance (1 of 4 stars; one submission).

Allele frequency attached by ClinVar (database versions not stated): gnomAD exomes below 0.00001; gnomAD 0.00001.
gnomAD v4.1: 2 of 1,613,754 alleles (0.00012%); highest among the groups gnomAD compares: Non-Finnish European, 0.00017%; no homozygotes.

Submission:

Ambry Genetics
Classification: Uncertain significance. Last evaluated: 2024-07-06. Review status: criteria provided, single submitter. Criteria: Ambry Variant Classification Scheme 2023. Collection method: clinical testing. Allele origin: germline.
Comment: The p.V818A variant (also known as c.2453T>C), located in coding exon 15 of the POLQ gene, results from a T to C substitution at nucleotide position 2453. The valine at codon 818 is replaced by alanine, an amino acid with similar properties. This amino acid position is conserved. In addition, the in silico prediction for this alteration is inconclusive. Since supporting evidence is limited at this time, the clinical significance of this alteration remains unclear.